The following is an entry in ClinVar:

NM_001039876.3(SYNE4):c.692G>A (p.Gly231Glu)

Gene: SYNE4 (spectrin repeat containing nuclear envelope family member 4; minus strand). Cytogenetic location: 19q13.12.
Variant type: single nucleotide variant.
Coding change: c.692G>A on transcript NM_001039876.3 (MANE Select); coding-DNA position 692, G replaced by A.
Protein change: p.Gly231Glu; replaces glycine 231 with glutamic acid.
Molecular consequence: missense variant.
Genome position (GRCh38, 1-based): chr19:36,006,598, C>T on the plus strand (G>A on the coding strand, the complement: SYNE4 is on the minus strand). VCF-style: chr19-36006598-C-T. GRCh37 (hg19) VCF-style: chr19-36497500-C-T.
Other names: c.353G>A, p.Gly118Glu (NM_001297735.3); short protein forms G231E, G118E.
Identifiers: ClinVar variation 2049444 (VCV002049444.2), dbSNP rs747417297, ClinGen allele CA9393867.

ClinVar aggregate classification (germline): Uncertain significance. Review status: criteria provided, multiple submitters, no conflicts (2 of 4 stars). 2 submissions from 2 submitters: Uncertain significance (2). Last evaluated 2024-11-01.

Allele frequency attached by ClinVar (database versions not stated): ExAC 0.00011; gnomAD 0.00013; gnomAD exomes 0.00016.
gnomAD v4.1: 247 of 1,608,952 alleles (0.015%); highest among the groups gnomAD compares: Middle Eastern, 0.033%; no homozygotes.

Submissions (2):

Blueprint Genetics
Classification: Uncertain significance. Last evaluated: 2024-11-01. Review status: criteria provided, single submitter. Criteria: ACMG Guidelines, 2015. Collection method: clinical testing. Allele origin: germline.

Labcorp Genetics (formerly Invitae), Labcorp
Classification: Uncertain significance. Last evaluated: 2022-04-15. Review status: criteria provided, single submitter. Criteria: Invitae Variant Classification Sherloc (09022015). Collection method: clinical testing. Allele origin: germline.
Comment: This sequence change replaces glycine, which is neutral and non-polar, with glutamic acid, which is acidic and polar, at codon 231 of the SYNE4 protein (p.Gly231Glu). This variant is present in population databases (rs747417297, gnomAD 0.02%). This variant has not been reported in the literature in individuals affected with SYNE4-related conditions. Algorithms developed to predict the effect of missense changes on protein structure and function are either unavailable or do not agree on the potential impact of this missense change (SIFT: "Deleterious"; PolyPhen-2: "Probably Damaging"; Align-GVGD: "Class C0"). Algorithms developed to predict the effect of sequence changes on RNA splicing suggest that this variant may disrupt the consensus splice site. In summary, the available evidence is currently insufficient to determine the role of this variant in disease. Therefore, it has been classified as a Variant of Uncertain Significance.